The following is an entry in ClinVar:

ClinVar aggregate classification (germline): Benign (1 of 4 stars; one submission).

Conditions:
MELAS syndrome (MELAS). Also called: Juvenile myopathy, encephalopathy, lactic acidosis, stroke. Identifiers: Orphanet 550, MedGen C0162671, MONDO:0010789, OMIM 540000.

Submission:

Wong Mito Lab, Molecular and Human Genetics, Baylor College of Medicine
Classification: Benign for MELAS syndrome. Last evaluated: 2019-07-12. Review status: criteria provided, single submitter. Criteria: Modified ACMG Guidelines (Unpublished). Collection method: clinical testing. Allele origin: germline.
Comment: The NC_012920.1:m.4454T>A variant in MT-TM gene is interpreted to be a Benign variant based on the modified ACMG guidelines (unpublished). This variant meets the following evidence codes reported in the guidelines: BS1, BS2, BP4

Literature cited by the submitters: PubMed 31965079.

NC_012920.1(MT-TM):m.4454T>A

Gene: MT-TM (mitochondrially encoded tRNA methionine; plus strand).
Variant type: single nucleotide variant.
Genome position: chrM-4454-T-A.
Identifiers: ClinVar variation 689917 (VCV000689917.1), dbSNP rs11510098, ClinGen allele CA337096879.